The following is an entry in ClinVar:

ClinVar aggregate classification (germline): Uncertain significance (1 of 4 stars; one submission).

Submission:

Labcorp Genetics (formerly Invitae), Labcorp
Classification: Uncertain significance. Last evaluated: 2022-04-30. Review status: criteria provided, single submitter. Criteria: Invitae Variant Classification Sherloc (09022015). Collection method: clinical testing. Allele origin: germline.
Comment: This variant is not present in population databases (gnomAD no frequency). This sequence change replaces methionine, which is neutral and non-polar, with isoleucine, which is neutral and non-polar, at codon 1120 of the ERBIN protein (p.Met1120Ile). Algorithms developed to predict the effect of missense changes on protein structure and function (SIFT, PolyPhen-2, Align-GVGD) all suggest that this variant is likely to be tolerated. In summary, the available evidence is currently insufficient to determine the role of this variant in disease. Therefore, it has been classified as a Variant of Uncertain Significance. This variant has not been reported in the literature in individuals affected with ERBIN-related conditions.

NM_001253697.2(ERBIN):c.3360G>T (p.Met1120Ile)

Gene: ERBIN (erbb2 interacting protein; plus strand). Cytogenetic location: 5q12.3.
Variant type: single nucleotide variant.
Coding change: c.3360G>T on transcript NM_001253697.2 (MANE Select); coding-DNA position 3360, G replaced by T.
Protein change: p.Met1120Ile; replaces methionine 1120 with isoleucine.
Molecular consequence: missense variant.
Genome position (GRCh38, 1-based): chr5:66,054,678, G>T. VCF-style: chr5-66054678-G-T. GRCh37 (hg19) VCF-style: chr5-65350506-G-T.
Other names: c.3360G>T, p.Met1120Ile (NM_001006600.3, NM_001253698.2, NM_001253699.2 and 1 more transcripts); c.3348G>T, p.Met1116Ile (NM_001253701.2); short protein forms M1120I, M1116I.
Identifiers: ClinVar variation 2132337 (VCV002132337.4), dbSNP rs2546816079, ClinGen allele CA359869673.
Genomic context (GRCh38, chr5:66,054,678, plus strand): 5'-TGAAGGAGATTATTTATCATACAGAGAGTTCCACTCAGCGGGAAGAACTCCTCCAATGAT[G>T]CCAGGATCACAGAGACCCCTTTCTGCACGAACATACAGCATAGATGGTCCAAATGCATCA-3'
Protein context (NP_001240626.1, residues 1110-1130): FHSAGRTPPM[Met1120Ile]PGSQRPLSAR